The following is an entry in ClinVar:

ClinVar aggregate classification (germline): Uncertain significance (1 of 4 stars; one submission).

Conditions:
Inborn genetic diseases. Identifiers: MedGen C0950123, MeSH D030342.

Submission:

Ambry Genetics
Classification: Uncertain significance for Inborn genetic diseases. Last evaluated: 2026-06-18. Review status: criteria provided, single submitter. Criteria: Ambry Variant Classification Scheme 2023. Collection method: clinical testing. Allele origin: germline.
Comment: The p.G528D variant (also known as c.1583G>A), located in coding exon 12 of the FANCG gene, results from a G to A substitution at nucleotide position 1583. The glycine at codon 528 is replaced by aspartic acid, an amino acid with similar properties. This amino acid position is conserved. In addition, this alteration is predicted to be tolerated by in silico analysis. Based on the available evidence, the clinical significance of this variant remains unclear.

NM_004629.2(FANCG):c.1583G>A (p.Gly528Asp)

Gene: FANCG (FA complementation group G; minus strand). Cytogenetic location: 9p13.3.
Variant type: single nucleotide variant.
Coding change: c.1583G>A on transcript NM_004629.2 (MANE Select); coding-DNA position 1583, G replaced by A.
Protein change: p.Gly528Asp; replaces glycine 528 with aspartic acid.
Molecular consequence: missense variant.
Genome position (GRCh38, 1-based): chr9:35,074,980, C>T on the plus strand (G>A on the coding strand, the complement: FANCG is on the minus strand). VCF-style: chr9-35074980-C-T. GRCh37 (hg19) VCF-style: chr9-35074977-C-T.
Other names: short protein forms G528D.
Identifiers: ClinVar variation 5036489 (VCV005036489.1).